The following is an entry in ClinVar:

ClinVar aggregate classification (germline): Pathogenic. Review status: criteria provided, multiple submitters, no conflicts (2 of 4 stars). 2 submissions from 2 submitters: Pathogenic (2). Last evaluated 2023-06-07.

Conditions:
Kabuki syndrome. Also called: Kabuki make-up syndrome; NIIKAWA-KUROKI SYNDROME. Identifiers: Orphanet 2322, MedGen C0796004, MONDO:0016512.

Submissions (2):

GeneDx
Classification: Pathogenic. Last evaluated: 2023-06-07. Review status: criteria provided, single submitter. Criteria: GeneDx Variant Classification Process June 2021. Collection method: clinical testing. Allele origin: germline. Affected: yes.
Comment: Frameshift variant predicted to result in protein truncation or nonsense mediated decay in a gene for which loss-of-function is a known mechanism of disease; Not observed at significant frequency in large population cohorts (gnomAD); This variant is associated with the following publications: (PMID: 30107592, 21658225)

Labcorp Genetics (formerly Invitae), Labcorp
Classification: Pathogenic for Kabuki syndrome. Last evaluated: 2017-02-20. Review status: criteria provided, single submitter. Criteria: Invitae Variant Classification Sherloc (09022015). Collection method: clinical testing. Allele origin: germline.
Comment: For these reasons, this variant has been classified as Pathogenic. Loss-of-function variants in KMT2D are known to be pathogenic. This particular variant has been reported in the literature in an individual affected with Kabuki syndrome (PMID: 21658225). This gene is also known as MLL2 in the literature. This sequence change deletes 2 nucleotides from exon 10 of the KMT2D mRNA (c.1345_1346delCT), causing a frameshift at codon 449. This creates a premature translational stop signal (p.Leu449Valfs*5) and is expected to result in an absent or disrupted protein product.

Literature cited by the submitters: PubMed 21658225 (cited by Labcorp Genetics (formerly Invitae), Labcorp).

NM_003482.4(KMT2D):c.1345_1346del (p.Leu449fs)

Gene: KMT2D (lysine methyltransferase 2D; minus strand). Cytogenetic location: 12q13.12.
Variant type: Deletion.
Coding change: c.1345_1346del on transcript NM_003482.4 (MANE Select); coding-DNA positions 1345 to 1346, 2 bases deleted (CT; older notation c.1345_1346delCT).
Protein change: p.Leu449fs; shifts the reading frame from leucine 449.
Molecular consequence: frameshift variant.
Genome position (GRCh38, 1-based): chr12:49,052,337-49,052,338, AG deleted on the plus strand (CT on the coding strand, the reverse complement: KMT2D is on the minus strand). VCF-style (leftmost placement, unchanged base first): chr12-49052336-CAG-C. GRCh37 (hg19) VCF-style: chr12-49446119-CAG-C.
Other names: c.1345_1346del (NM_003482.3); c.1345_1346delCT (NM_003482.3); short protein forms L449fs.
Identifiers: ClinVar variation 463006 (VCV000463006.9), dbSNP rs1555197682, ClinGen allele CA658658152.